The following is an entry in ClinVar:

ClinVar aggregate classification (germline): Uncertain significance (1 of 4 stars; one submission).

Conditions:
Ullrich congenital muscular dystrophy 2 (UCMD2). Identifiers: Orphanet 75840, MedGen C4225314, MONDO:0014654, OMIM 616470.
Bethlem myopathy 2 (BTHLM2). Identifiers: Orphanet 536516, Orphanet 610, MedGen C4225313, MONDO:0034022, OMIM 616471.

Submission:

Labcorp Genetics (formerly Invitae), Labcorp
Classification: Uncertain significance for Bethlem myopathy 2; Ullrich congenital muscular dystrophy 2. Last evaluated: 2026-01-19. Review status: criteria provided, single submitter. Criteria: Invitae Variant Classification Sherloc (09022015). Collection method: clinical testing. Allele origin: germline.
Comment: This sequence change replaces aspartic acid, which is acidic and polar, with tyrosine, which is neutral and polar, at codon 733 of the COL12A1 protein (p.Asp733Tyr). This variant is not present in population databases (gnomAD no frequency). This variant has not been reported in the literature in individuals affected with COL12A1-related conditions. Invitae Evidence Modeling of protein sequence and biophysical properties (such as structural, functional, and spatial information, amino acid conservation, physicochemical variation, residue mobility, and thermodynamic stability) indicates that this missense variant is not expected to disrupt COL12A1 protein function with a negative predictive value of 80%. In summary, the available evidence is currently insufficient to determine the role of this variant in disease. Therefore, it has been classified as a Variant of Uncertain Significance.

NM_004370.6(COL12A1):c.2197G>T (p.Asp733Tyr)

Gene: COL12A1 (collagen type XII alpha 1 chain; minus strand). Cytogenetic location: 6q13.
Variant type: single nucleotide variant.
Coding change: c.2197G>T on transcript NM_004370.6 (MANE Select); coding-DNA position 2197, G replaced by T.
Protein change: p.Asp733Tyr; replaces aspartic acid 733 with tyrosine.
Molecular consequence: missense variant. On other transcripts: intron variant (2).
Genome position (GRCh38, 1-based): chr6:75,177,903, C>A on the plus strand (G>T on the coding strand, the complement: COL12A1 is on the minus strand). VCF-style: chr6-75177903-C-A. GRCh37 (hg19) VCF-style: chr6-75887619-C-A.
Other names: c.2197G>T, p.Asp733Tyr (NM_001424113.1, NM_001424114.1, NM_001424115.1); c.73+24817G>T (NM_001424116.1, NM_080645.3); short protein forms D733Y.
Identifiers: ClinVar variation 4782833 (VCV004782833.1).